The following is an entry in ClinVar:

NM_000038.6(APC):c.6582_6583del (p.Val2194_Tyr2195insTer)

Gene: APC (APC regulator of Wnt signaling pathway; plus strand). Cytogenetic location: 5q22.2.
Variant type: Deletion.
Coding change: c.6582_6583del on transcript NM_000038.6 (MANE Select); coding-DNA positions 6582 to 6583, 2 bases deleted (TT; older notation c.6582_6583delTT).
Protein change: p.Val2194_Tyr2195insTer.
Molecular consequence: frameshift variant. On other transcripts: non-coding transcript variant (2).
Genome position (GRCh38, 1-based): chr5:112,842,176-112,842,177, TT deleted; deleting any 2 consecutive bases within chr5:112,842,175-112,842,177 gives the same sequence; the c. name uses the placement nearest the transcript's 3' end. VCF-style (leftmost placement, unchanged base first): chr5-112842174-GTT-G. GRCh37 (hg19) VCF-style: chr5-112177871-GTT-G.
Other names: c.6582_6583del, p.Val2194_Tyr2195insTer (NM_001127510.3, NM_001354895.2, NM_001407450.1); c.6528_6529del, p.Val2176_Tyr2177insTer (NM_001127511.3); c.6636_6637del, p.Val2212_Tyr2213insTer (NM_001354896.2, NM_001407447.1, NM_001407448.1 and 1 more transcripts); c.6612_6613del, p.Val2204_Tyr2205insTer (NM_001354897.2); c.6507_6508del, p.Val2169_Tyr2170insTer (NM_001354898.2); c.6498_6499del, p.Val2166_Tyr2167insTer (NM_001354899.2); c.6459_6460del, p.Val2153_Tyr2154insTer (NM_001354900.2); c.6405_6406del, p.Val2135_Tyr2136insTer (NM_001354901.2, NM_001407453.1); and 11 more.
Identifiers: ClinVar variation 2811090 (VCV002811090.3), dbSNP rs2533725955, ClinGen allele CA2739271284.

ClinVar aggregate classification (germline): Pathogenic (1 of 4 stars; one submission).

Conditions:
Familial adenomatous polyposis 1 (FAP1). Also called: FAMILIAL ADENOMATOUS POLYPOSIS 1, ATTENUATED; POLYPOSIS, ADENOMATOUS INTESTINAL. Identifiers: MedGen C2713442, MONDO:0021056, OMIM 175100. Disease mechanism: loss of function.

Submission:

Labcorp Genetics (formerly Invitae), Labcorp
Classification: Pathogenic for Familial adenomatous polyposis 1. Last evaluated: 2024-04-25. Review status: criteria provided, single submitter. Criteria: Invitae Variant Classification Sherloc (09022015). Collection method: clinical testing. Allele origin: germline.
Comment: This sequence change creates a premature translational stop signal (p.Tyr2195*) in the APC gene. While this is not anticipated to result in nonsense mediated decay, it is expected to disrupt the last 649 amino acid(s) of the APC protein. This variant is not present in population databases (gnomAD no frequency). This variant has not been reported in the literature in individuals affected with APC-related conditions. This variant disrupts a region of the APC protein in which other variant(s) (p.Tyr2645Lysfs*14) have been determined to be pathogenic (PMID: 1316610, 8381579, 9824584, 22135120, 27081525). This suggests that this is a clinically significant region of the protein, and that variants that disrupt it are likely to be disease-causing. For these reasons, this variant has been classified as Pathogenic.

Literature cited by the submitters: PubMed 1316610; PubMed 8381579; PubMed 9824584; PubMed 22135120; PubMed 27081525.